The following is an entry in ClinVar:

ClinVar aggregate classification (germline): Uncertain significance (1 of 4 stars; one submission).

Allele frequency attached by ClinVar (database versions not stated): TOPMed below 0.00001.

Submission:

Labcorp Genetics (formerly Invitae), Labcorp
Classification: Uncertain significance. Last evaluated: 2023-10-13. Review status: criteria provided, single submitter. Criteria: Invitae Variant Classification Sherloc (09022015). Collection method: clinical testing. Allele origin: germline.
Comment: The GFAP gene has multiple clinically relevant transcripts. This variant occurs in alternate transcript, NM_001131019.2, and corresponds to NM_002055.4:c.1171+398dup in the primary transcript. This sequence change results in a frameshift in the GFAP gene (p.Tyr406Ilefs*40). While this is not anticipated to result in nonsense mediated decay, it is expected to disrupt the last 26 amino acid(s) of the GFAP protein and extend the protein by 13 additional amino acid residues. This variant is not present in population databases (gnomAD no frequency). This variant has not been reported in the literature in individuals affected with GFAP-related conditions. In summary, the available evidence is currently insufficient to determine the role of this variant in disease. Therefore, it has been classified as a Variant of Uncertain Significance.

NM_002055.5(GFAP):c.1171+398dup

Gene: GFAP (glial fibrillary acidic protein; minus strand). Cytogenetic location: 17q21.31.
Variant type: Duplication.
Coding change: c.1171+398dup on transcript NM_002055.5 (MANE Select); 398 bases into the intron after coding-DNA position 1171, one base duplicated (A; older notation c.1171+398dupA).
Molecular consequence: intron variant. On other transcripts: frameshift variant (2), 3 prime UTR variant (1).
Genome position (GRCh38, 1-based): chr17:44,910,217, T duplicated on the plus strand (A on the coding strand, the reverse complement: GFAP is on the minus strand). VCF-style (leftmost placement, unchanged base first): chr17-44910216-A-AT. GRCh37 (hg19) VCF-style: chr17-42987584-A-AT.
Other names: c.1215dup, p.Tyr406fs (NM_001131019.3, NM_001363846.2); c.*252dup (NM_001242376.3); short protein forms Y406fs.
Identifiers: ClinVar variation 3004214 (VCV003004214.3), dbSNP rs2051728960, ClinGen allele CA2261611488.